The following is an entry in ClinVar:

NM_201253.3(CRB1):c.3749G>A (p.Arg1250Lys)

Gene: CRB1 (crumbs cell polarity complex component 1; plus strand). Cytogenetic location: 1q31.3.
Variant type: single nucleotide variant.
Coding change: c.3749G>A on transcript NM_201253.3 (MANE Select); coding-DNA position 3749, G replaced by A.
Protein change: p.Arg1250Lys; replaces arginine 1250 with lysine.
Molecular consequence: missense variant. On other transcripts: non-coding transcript variant (2).
Genome position (GRCh38, 1-based): chr1:197,435,612, G>A. VCF-style: chr1-197435612-G-A. GRCh37 (hg19) VCF-style: chr1-197404742-G-A.
Other names: c.3413G>A, p.Arg1138Lys (NM_001193640.2); c.3677G>A, p.Arg1226Lys (NM_001257965.2); c.2141G>A, p.Arg714Lys (NM_001257966.2); short protein forms R1226K, R714K, R1138K, R1250K.
Identifiers: ClinVar variation 3544484 (VCV003544484.1).

ClinVar aggregate classification (germline): Likely pathogenic (1 of 4 stars; one submission).

Conditions:
Leber congenital amaurosis (LCA). Also called: Leber's amaurosis. Identifiers: Orphanet 65, MedGen C0339527, MeSH D057130, MONDO:0018998.

Submission:

Lab De Baere, Eye and Developmental Genetics Lab, Ghent University
Classification: Likely pathogenic for Leber congenital amaurosis. Last evaluated: 2024-10-01. Review status: criteria provided, single submitter. Criteria: ACMG Guidelines, 2015. Collection method: research. Allele origin: inherited. Affected: yes. Observed: 1 variant allele.
Comment: ACMG/AMP guidelines: PM2, PP4_PP, PP3, PP1, PM3_PP